The following is an entry in ClinVar:

ClinVar aggregate classification (germline): Likely pathogenic (1 of 4 stars; one submission).

Conditions:
Focal segmental glomerulosclerosis 7 (FSGS7). Identifiers: Orphanet 656, MedGen C4014925, MONDO:0014451, OMIM 616002.
Renal coloboma syndrome (PAPRS). Also called: PAPILLORENAL SYNDROME; COLOBOMA OF OPTIC NERVE WITH RENAL DISEASE; OPTIC COLOBOMA, VESICOURETERAL REFLUX, AND RENAL ANOMALIES; OPTIC NERVE COLOBOMA WITH RENAL DISEASE; RENAL-COLOBOMA SYNDROME WITH MACULAR ABNORMALITIES; PAPILLORENAL SYNDROME WITH MILD OCULAR ABNORMALITIES. Identifiers: Orphanet 1475, MedGen C1852759, MONDO:0007352, OMIM 120330.

Submission:

Labcorp Genetics (formerly Invitae), Labcorp
Classification: Likely pathogenic for Renal coloboma syndrome; Focal segmental glomerulosclerosis 7. Last evaluated: 2025-12-22. Review status: criteria provided, single submitter. Criteria: Invitae Variant Classification Sherloc (09022015). Collection method: clinical testing. Allele origin: germline.
Comment: This sequence change affects a donor splice site in intron 7 of the PAX2 gene. It is expected to disrupt RNA splicing. Variants that disrupt the donor or acceptor splice site typically lead to a loss of protein function (PMID: 16199547), and loss-of-function variants in PAX2 are known to be pathogenic (PMID: 11461952, 24676634, 35444690). This variant is not present in population databases (gnomAD no frequency). This variant has not been reported in the literature in individuals affected with PAX2-related conditions. Algorithms developed to predict the effect of sequence changes on RNA splicing suggest that this variant may disrupt the consensus splice site. In summary, the currently available evidence indicates that the variant is pathogenic, but additional data are needed to prove that conclusively. Therefore, this variant has been classified as Likely Pathogenic.

Literature cited by the submitters: PubMed 16199547; PubMed 11461952; PubMed 24676634; PubMed 35444690.

NM_000278.5(PAX2):c.919+1G>A

Gene: PAX2 (paired box 2; plus strand). Cytogenetic location: 10q24.31.
Variant type: single nucleotide variant.
Coding change: c.919+1G>A on transcript NM_000278.5 (MANE Select); the canonical splice donor site of the intron after coding-DNA position 919, G replaced by A.
Molecular consequence: splice donor variant.
Genome position (GRCh38, 1-based): chr10:100,809,237, G>A. VCF-style: chr10-100809237-G-A. GRCh37 (hg19) VCF-style: chr10-102568994-G-A.
Other names: c.1012+1G>A (NM_001304569.2); c.988+1G>A (NM_003987.5, NM_003990.5); c.919+1G>A (NM_003988.5, NM_003989.5).
Identifiers: ClinVar variation 4787096 (VCV004787096.1).